The following is an entry in ClinVar:

ClinVar aggregate classification (germline): Uncertain significance (1 of 4 stars; one submission).

Conditions:
Peroxisome biogenesis disorder 9B. Also called: PEX7-Related Refsum Disease; PEROXISOME BIOGENESIS DISORDER, PEX7-RELATED, ATYPICAL; Refsum disease, adult, 2. Identifiers: Orphanet 773, MedGen C2749346, MONDO:0013945, OMIM 614879.

Allele frequency attached by ClinVar (database versions not stated): gnomAD exomes below 0.00001.
gnomAD v4.1: 1 of 1,515,326 alleles (0.000066%); highest among the groups gnomAD compares: African/African-American, 0.0014%; no homozygotes.

Submission:

Labcorp Genetics (formerly Invitae), Labcorp
Classification: Uncertain significance for Peroxisome biogenesis disorder 9B. Last evaluated: 2022-01-12. Review status: criteria provided, single submitter. Criteria: Invitae Variant Classification Sherloc (09022015). Collection method: clinical testing. Allele origin: germline.
Comment: In summary, the available evidence is currently insufficient to determine the role of this variant in disease. Therefore, it has been classified as a Variant of Uncertain Significance. Algorithms developed to predict the effect of missense changes on protein structure and function are either unavailable or do not agree on the potential impact of this missense change (SIFT: "Tolerated"; PolyPhen-2: "Probably Damaging"; Align-GVGD: "Class C0"). This variant has not been reported in the literature in individuals affected with PEX7-related conditions. This variant is not present in population databases (gnomAD no frequency). This sequence change replaces histidine, which is basic and polar, with arginine, which is basic and polar, at codon 18 of the PEX7 protein (p.His18Arg).

NM_000288.4(PEX7):c.53A>G (p.His18Arg)

Gene: PEX7 (peroxisomal biogenesis factor 7; plus strand). Cytogenetic location: 6q23.3.
Variant type: single nucleotide variant.
Coding change: c.53A>G on transcript NM_000288.4 (MANE Select); coding-DNA position 53, A replaced by G.
Protein change: p.His18Arg; replaces histidine 18 with arginine.
Molecular consequence: missense variant.
Genome position (GRCh38, 1-based): chr6:136,822,718, A>G. VCF-style: chr6-136822718-A-G. GRCh37 (hg19) VCF-style: chr6-137143856-A-G.
Other names: short protein forms H18R.
Identifiers: ClinVar variation 1524440 (VCV001524440.8), dbSNP rs2115122498, ClinGen allele CA365855202.